The following is an entry in ClinVar:

ClinVar aggregate classification (germline): Uncertain significance. Review status: criteria provided, multiple submitters, no conflicts (2 of 4 stars). 4 submissions from 4 submitters: Uncertain significance (4). Last evaluated 2026-04-23.

Conditions:
Autoinflammatory syndrome, familial, Behcet-like 1 (AIFBL1). Also called: Haploinsufficiency of A20. Identifiers: Orphanet 674762, MedGen C4225218, MONDO:0800045, OMIM 616744.
TNFAIP3-related disorder. Also called: TNFAIP3-related condition.

Allele frequency attached by ClinVar (database versions not stated): gnomAD exomes 0.00002; TOPMed 0.00002; ExAC 0.00006; ESP Exome Variant Server 0.00008.
gnomAD v4.1: 24 of 1,614,224 alleles (0.0015%); highest among the groups gnomAD compares: African/African-American, 0.0027%; no homozygotes.

Submissions (4):

PreventionGenetics, part of Exact Sciences
Classification: Uncertain significance for TNFAIP3-related condition. Last evaluated: 2026-04-23. Review status: criteria provided, single submitter. Criteria: ACMG Guidelines, 2015. Collection method: clinical testing. Allele origin: germline.
Comment: The TNFAIP3 c.1129G>A variant is predicted to result in the amino acid substitution p.Val377Met. This variant has been reported in the heterozygous state in an individual with A20 haploinsufficiency (Niwano et al. 2022. PubMed ID: 35595232). In vitro experimental studies using patient-derived PBMCs and immunoblot analysis suggest this variant results in enhanced NF-κB p65 phosphorylation, attenuated A20 phosphorylation, and increased TNF-α production (Niwano et al. 2022. PubMed ID: 35595232). This variant is reported in 0.0088% of alleles in individuals of European (Non-Finnish) descent in gnomAD. At this time, the clinical significance of this variant is uncertain due to the absence of conclusive functional and genetic evidence.

Labcorp Genetics (formerly Invitae), Labcorp
Classification: Uncertain significance. Last evaluated: 2025-11-11. Review status: criteria provided, single submitter. Criteria: Invitae Variant Classification Sherloc (09022015). Collection method: clinical testing. Allele origin: germline.
Comment: This sequence change replaces valine, which is neutral and non-polar, with methionine, which is neutral and non-polar, at codon 377 of the TNFAIP3 protein (p.Val377Met). This variant is present in population databases (rs368146619, gnomAD 0.008%). This missense change has been observed in individual(s) with clinical features of autoinflammatory syndromes (PMID: 35595232). ClinVar contains an entry for this variant (Variation ID: 2192652). Invitae Evidence Modeling of protein sequence and biophysical properties (such as structural, functional, and spatial information, amino acid conservation, physicochemical variation, residue mobility, and thermodynamic stability) indicates that this missense variant is not expected to disrupt TNFAIP3 protein function with a negative predictive value of 80%. Experimental studies are conflicting or provide insufficient evidence to determine the effect of this variant on TNFAIP3 function (PMID: 37342083). In summary, the available evidence is currently insufficient to determine the role of this variant in disease. Therefore, it has been classified as a Variant of Uncertain Significance.

Dasa
Classification: Uncertain significance for Autoinflammatory syndrome, familial, Behcet-like 1. Last evaluated: 2025-07-15. Review status: criteria provided, single submitter. Criteria: DASA Assertion Criteria. Collection method: clinical testing. Allele origin: germline.
Comment: NM_001270508.2(TNFAIP3):c.1129G>A (p.Val377Met) is a missense variant that results in the substitution of valine with methionine. This variant has been reported in individuals with TNFAIP3-related disorders (PMID: 35595232). Also, this variant is rare in population databases. Computational prediction algorithms are consistent with a benign effect. The currently available literature and clinical evidence are not sufficient to establish a definitive association between this variant and the reported condition. Therefore, this variant is classified as a variant of uncertain significance.

Center for Genomic Medicine, Rigshospitalet, Copenhagen University Hospital
Classification: Uncertain significance. Last evaluated: 2025-03-04. Review status: criteria provided, single submitter. Criteria: ACMG Guidelines, 2015. Collection method: clinical testing. Allele origin: germline.

Literature cited by the submitters: PubMed 35595232 (cited by 3 submitters); PubMed 37342083 (cited by Labcorp Genetics (formerly Invitae), Labcorp); PubMed 11009421 (cited by Center for Genomic Medicine, Rigshospitalet, Copenhagen University Hospital); PubMed 35958611 (cited by Center for Genomic Medicine, Rigshospitalet, Copenhagen University Hospital).

NM_001270508.2(TNFAIP3):c.1129G>A (p.Val377Met)

Gene: TNFAIP3 (TNF alpha induced protein 3; plus strand). Cytogenetic location: 6q23.3.
Variant type: single nucleotide variant.
Coding change: c.1129G>A on transcript NM_001270508.2 (MANE Select); coding-DNA position 1129, G replaced by A.
Protein change: p.Val377Met; replaces valine 377 with methionine.
Molecular consequence: missense variant.
Genome position (GRCh38, 1-based): chr6:137,878,574, G>A. VCF-style: chr6-137878574-G-A. GRCh37 (hg19) VCF-style: chr6-138199711-G-A.
Other names: c.1129G>A, p.Val377Met (NM_001270507.2, NM_006290.4); c.1129G>A (NM_006290.3); short protein forms V377M.
Identifiers: ClinVar variation 2192652 (VCV002192652.9), dbSNP rs368146619, ClinGen allele CA4019577.
Genomic context (GRCh38, chr6:137,878,574, plus strand): 5'-CAGGAAAACAGCGAGCAGGGGAGGAGAGAGGGGCACGCCCAGAATCCCATGGAACCTTCC[G>A]TGCCCCAGCTTTCTCTCATGGATGTAAAATGTGAAACGCCCAACTGCCCCTTCTTCATGT-3'
Protein context (NP_001257437.1, residues 367-387): GHAQNPMEPS[Val377Met]PQLSLMDVKC